The following is an entry in ClinVar:

ClinVar aggregate classification (germline): Likely benign. Review status: criteria provided, multiple submitters, no conflicts (2 of 4 stars). 3 submissions from 3 submitters: Likely benign (3). Last evaluated 2025-08-15.

Allele frequency attached by ClinVar (database versions not stated): ExAC 0.00003; gnomAD exomes 0.00003; gnomAD 0.00005 and 0.00006; TOPMed 0.00005.
gnomAD v4.1: 31 of 1,611,010 alleles (0.0019%); highest among the groups gnomAD compares: Middle Eastern, 0.033%; no homozygotes.

Submissions (3):

Labcorp Genetics (formerly Invitae), Labcorp
Classification: Likely benign. Last evaluated: 2025-08-15. Review status: criteria provided, single submitter. Criteria: Invitae Variant Classification Sherloc (09022015). Collection method: clinical testing. Allele origin: germline.

Blueprint Genetics
Classification: Likely benign. Last evaluated: 2023-02-10. Review status: criteria provided, single submitter. Criteria: ACMG Guidelines, 2015. Collection method: clinical testing. Allele origin: germline.

CeGaT Center for Human Genetics Tuebingen
Classification: Likely benign. Last evaluated: 2022-06-01. Review status: criteria provided, single submitter. Criteria: CeGaT Center For Human Genetics Tuebingen Variant Classification Criteria Version 2. Collection method: clinical testing. Allele origin: germline. Affected: yes. Observed: 1 variant allele.
Comment: PACS2: BP4, BP7

NM_001100913.3(PACS2):c.2418C>T (p.Ser806=)

Gene: PACS2 (phosphofurin acidic cluster sorting protein 2; plus strand). Cytogenetic location: 14q32.33.
Variant type: single nucleotide variant.
Coding change: c.2418C>T on transcript NM_001100913.3 (MANE Select); coding-DNA position 2418, C replaced by T.
Protein change: p.Ser806=; no amino-acid change (serine 806 retained).
Molecular consequence: synonymous variant.
Genome position (GRCh38, 1-based): chr14:105,392,781, C>T. VCF-style: chr14-105392781-C-T. GRCh37 (hg19) VCF-style: chr14-105859118-C-T.
Other names: c.2148C>T, p.Ser716= (NM_001243127.3); c.2373C>T, p.Ser791= (NM_015197.4).
Identifiers: ClinVar variation 1619093 (VCV001619093.33), dbSNP rs782086378, ClinGen allele CA7389258.